The following is an entry in ClinVar:

NM_000218.3(KCNQ1):c.1764C>T (p.Ile588=)

Gene: KCNQ1 (potassium voltage-gated channel subfamily Q member 1; plus strand). Cytogenetic location: 11p15.5.
Variant type: single nucleotide variant.
Coding change: c.1764C>T on transcript NM_000218.3 (MANE Select); coding-DNA position 1764, C replaced by T.
Protein change: p.Ile588=; no amino-acid change (isoleucine 588 retained).
Molecular consequence: synonymous variant.
Genome position (GRCh38, 1-based): chr11:2,778,007, C>T. VCF-style: chr11-2778007-C-T. GRCh37 (hg19) VCF-style: chr11-2799237-C-T.
Other names: c.1668C>T, p.Ile556= (NM_001406836.1); c.1494C>T, p.Ile498= (NM_001406837.1); c.1224C>T, p.Ile408= (NM_001406838.1); c.276C>T, p.Ile92= (NM_001406839.1); c.1383C>T, p.Ile461= (NM_181798.2).
Identifiers: ClinVar variation 919717 (VCV000919717.14), dbSNP rs377206449, ClinGen allele CA216321962.

ClinVar aggregate classification (germline): Likely benign. Review status: criteria provided, multiple submitters, no conflicts (2 of 4 stars). 3 submissions from 3 submitters: Likely benign (3). Last evaluated 2024-12-12.

Conditions:
Cardiac arrhythmia. Also called: Cardiac rhythm disease; Arrhythmia. Identifiers: MedGen C0003811, MONDO:0007263, HP:0011675.
Long QT syndrome (LQTS). Identifiers: MedGen C0023976, MeSH D008133, MONDO:0002442. Disease mechanism: loss of function. Inheritance: Various modes of inheritance.

Allele frequency attached by ClinVar (database versions not stated): gnomAD exomes below 0.00001 and 0.00001; TOPMed below 0.00001; gnomAD 0.00001; ESP Exome Variant Server 0.00008.
gnomAD v4.1: 12 of 1,613,602 alleles (0.00074%); highest among the groups gnomAD compares: Admixed American, 0.0017%; no homozygotes.

Submissions (3):

Labcorp Genetics (formerly Invitae), Labcorp
Classification: Likely benign for Long QT syndrome. Last evaluated: 2024-12-12. Review status: criteria provided, single submitter. Criteria: Invitae Variant Classification Sherloc (09022015). Collection method: clinical testing. Allele origin: germline.

All of Us Research Program, National Institutes of Health
Classification: Likely benign for Long QT syndrome. Last evaluated: 2023-05-04. Review status: criteria provided, single submitter. Criteria: ACMG Guidelines, 2015. Collection method: clinical testing. Allele origin: germline. Inheritance: Autosomal dominant inheritance. Observed: 2 variant alleles, 2 heterozygotes.
Comment: This study involves interpretation of variants in research participants for the purpose of population health screening. Participant phenotype was not available at the time of variant classification. Additional details can be found in publication PMID: 35346344, PMCID: PMC8962531

Color Diagnostics, LLC DBA Color Health
Classification: Likely benign for Arrhythmia. Last evaluated: 2019-10-29. Review status: criteria provided, single submitter. Criteria: ACMG Guidelines, 2015. Collection method: clinical testing. Allele origin: germline.